The following is an entry in ClinVar:

ClinVar aggregate classification (germline): Uncertain significance (1 of 4 stars; one submission).

Conditions:
Neuronal ceroid lipofuscinosis. Also called: Neuronal Ceroid Lipofuscinoses. Identifiers: Orphanet 216, Orphanet 79263, MedGen C0027877, MONDO:0016295. Disease mechanism: loss of function.

Allele frequency attached by ClinVar (database versions not stated): gnomAD exomes below 0.00001.
gnomAD v4.1: 1 of 1,614,222 alleles (0.000062%); highest among the groups gnomAD compares: Non-Finnish European, 0.000085%; no homozygotes.

Submission:

Labcorp Genetics (formerly Invitae), Labcorp
Classification: Uncertain significance for Neuronal ceroid lipofuscinosis. Last evaluated: 2019-12-03. Review status: criteria provided, single submitter. Criteria: Invitae Variant Classification Sherloc (09022015). Collection method: clinical testing. Allele origin: germline.
Comment: This sequence change replaces lysine with glutamine at codon 191 of the CLN8 protein (p.Lys191Gln). The lysine residue is highly conserved and there is a small physicochemical difference between lysine and glutamine. This variant is not present in population databases (ExAC no frequency). This variant has not been reported in the literature in individuals with CLN8-related conditions. In summary, the available evidence is currently insufficient to determine the role of this variant in disease. Therefore, it has been classified as a Variant of Uncertain Significance. Algorithms developed to predict the effect of sequence changes on RNA splicing suggest that this variant may create or strengthen a splice site, but this prediction has not been confirmed by published transcriptional studies. Algorithms developed to predict the effect of missense changes on protein structure and function (SIFT, PolyPhen-2, Align-GVGD) all suggest that this variant is likely to be disruptive, but these predictions have not been confirmed by published functional studies and their clinical significance is uncertain.

NM_018941.4(CLN8):c.571A>C (p.Lys191Gln)

Gene: CLN8 (CLN8 transmembrane ER and ERGIC protein; plus strand). Cytogenetic location: 8p23.3.
Variant type: single nucleotide variant.
Coding change: c.571A>C on transcript NM_018941.4 (MANE Select); coding-DNA position 571, A replaced by C.
Protein change: p.Lys191Gln; replaces lysine 191 with glutamine.
Molecular consequence: missense variant.
Genome position (GRCh38, 1-based): chr8:1,780,277, A>C. VCF-style: chr8-1780277-A-C. GRCh37 (hg19) VCF-style: chr8-1728443-A-C.
Other names: short protein forms K191Q.
Identifiers: ClinVar variation 844008 (VCV000844008.7), dbSNP rs1801671671, ClinGen allele CA369953856.